The following is an entry in ClinVar:

ClinVar aggregate classification (germline): Likely pathogenic (1 of 4 stars; one submission).

Submission:

Labcorp Genetics (formerly Invitae), Labcorp
Classification: Likely pathogenic. Last evaluated: 2021-05-25. Review status: criteria provided, single submitter. Criteria: Invitae Variant Classification Sherloc (09022015). Collection method: clinical testing. Allele origin: germline.
Comment: In summary, the currently available evidence indicates that the variant is pathogenic, but additional data are needed to prove that conclusively. Therefore, this variant has been classified as Likely Pathogenic. Algorithms developed to predict the effect of sequence changes on RNA splicing suggest that this variant may disrupt the consensus splice site, but this prediction has not been confirmed by published transcriptional studies. This variant has not been reported in the literature in individuals with GLE1-related conditions. This variant is not present in population databases (ExAC no frequency). This sequence change affects an acceptor splice site in intron 2 of the GLE1 gene. It is expected to disrupt RNA splicing. Variants that disrupt the donor or acceptor splice site typically lead to a loss of protein function (PMID: 16199547), and loss-of-function variants in GLE1 are known to be pathogenic (PMID: 18204449, 24243016, 27684565).

Literature cited by the submitters: PubMed 16199547; PubMed 18204449; PubMed 24243016; PubMed 27684565.

NM_001003722.2(GLE1):c.322-1G>A

Gene: GLE1 (GLE1 RNA export mediator; plus strand). Cytogenetic location: 9q34.11.
Variant type: single nucleotide variant.
Coding change: c.322-1G>A on transcript NM_001003722.2 (MANE Select); the canonical splice acceptor site of the intron before coding-DNA position 322, G replaced by A.
Molecular consequence: splice acceptor variant.
Genome position (GRCh38, 1-based): chr9:128,515,528, G>A. VCF-style: chr9-128515528-G-A. GRCh37 (hg19) VCF-style: chr9-131277807-G-A.
Other names: c.322-1G>A (NM_001499.2, NM_001411013.1).
Identifiers: ClinVar variation 1483777 (VCV001483777.8), dbSNP rs147114045, ClinGen allele CA375034975.
Genomic context (GRCh38, chr9:128,515,528, plus strand): 5'-ACCAACTTTACCATATTAAAAACTTATTTTTTAATTATTTTTCCATTTTCTGCTCATATA[G>A]GGCAAAGATGAGTCCCAGCACACAGAATCTATGGTACTTCAGTCCTCACGGGGGATCAAA-3'